The following is an entry in ClinVar:

NM_004973.4(JARID2):c.3490T>A (p.Cys1164Ser)

Gene: JARID2 (jumonji and AT-rich interaction domain containing 2; plus strand). Cytogenetic location: 6p22.3.
Variant type: single nucleotide variant.
Coding change: c.3490T>A on transcript NM_004973.4 (MANE Select); coding-DNA position 3490, T replaced by A.
Protein change: p.Cys1164Ser; replaces cysteine 1164 with serine.
Molecular consequence: missense variant.
Genome position (GRCh38, 1-based): chr6:15,517,200, T>A. VCF-style: chr6-15517200-T-A. GRCh37 (hg19) VCF-style: chr6-15517431-T-A.
Other names: c.2974T>A, p.Cys992Ser (NM_001267040.1); short protein forms C1164S, C992S.
Identifiers: ClinVar variation 5022891 (VCV005022891.1).

ClinVar aggregate classification (germline): Uncertain significance (1 of 4 stars; one submission).

Conditions:
Inborn genetic diseases. Identifiers: MedGen C0950123, MeSH D030342.

Submission:

Ambry Genetics
Classification: Uncertain significance for Inborn genetic diseases. Last evaluated: 2026-09-11. Review status: criteria provided, single submitter. Criteria: Ambry Variant Classification Scheme 2023. Collection method: clinical testing. Allele origin: germline.
Comment: The c.3490T>A (p.C1164S) alteration is located in exon 17 (coding exon 17) of the JARID2 gene. This alteration results from a T to A substitution at nucleotide position 3490, causing the cysteine (C) at amino acid position 1164 to be replaced by a serine (S). This variant was not reported in population-based cohorts in the Genome Aggregation Database (gnomAD). This amino acid position is highly conserved in available vertebrate species. This missense variant is located in a region that has a low rate of benign missense variation (Lek, 2016; Firth, 2009). This alteration is predicted to be deleterious by in silico analysis. Based on insufficient or conflicting evidence, the clinical significance of this alteration remains unclear.